The following is an entry in ClinVar:

ClinVar aggregate classification (germline): Uncertain significance (1 of 4 stars; one submission).

Allele frequency attached by ClinVar (database versions not stated): gnomAD exomes 0.00001; ExAC 0.00003; TOPMed 0.00003; gnomAD 0.00004; ESP Exome Variant Server 0.00008; 1000 Genomes Project 0.00040; 1000 Genomes Project 30x 0.00047.
gnomAD v4.1: 17 of 1,614,050 alleles (0.0011%); highest among the groups gnomAD compares: South Asian, 0.0055%; 1 homozygote.

Submission:

Labcorp Genetics (formerly Invitae), Labcorp
Classification: Uncertain significance. Last evaluated: 2022-06-29. Review status: criteria provided, single submitter. Criteria: Invitae Variant Classification Sherloc (09022015). Collection method: clinical testing. Allele origin: germline.
Comment: In summary, the available evidence is currently insufficient to determine the role of this variant in disease. Therefore, it has been classified as a Variant of Uncertain Significance. Algorithms developed to predict the effect of missense changes on protein structure and function (SIFT, PolyPhen-2, Align-GVGD) all suggest that this variant is likely to be disruptive. This variant has not been reported in the literature in individuals affected with HMCN1-related conditions. This variant is present in population databases (rs144069476, gnomAD 0.01%). This sequence change replaces glycine, which is neutral and non-polar, with arginine, which is basic and polar, at codon 5351 of the HMCN1 protein (p.Gly5351Arg).

NM_031935.3(HMCN1):c.16051G>A (p.Gly5351Arg)

Gene: HMCN1 (hemicentin 1; plus strand). Cytogenetic location: 1q31.1.
Variant type: single nucleotide variant.
Coding change: c.16051G>A on transcript NM_031935.3 (MANE Select); coding-DNA position 16051, G replaced by A.
Protein change: p.Gly5351Arg; replaces glycine 5351 with arginine.
Molecular consequence: missense variant.
Genome position (GRCh38, 1-based): chr1:186,178,523, G>A. VCF-style: chr1-186178523-G-A. GRCh37 (hg19) VCF-style: chr1-186147655-G-A.
Other names: short protein forms G5351R.
Identifiers: ClinVar variation 1988020 (VCV001988020.4), dbSNP rs144069476, ClinGen allele CA1295470.